The following is an entry in ClinVar:

ClinVar aggregate classification (germline): Pathogenic. Review status: criteria provided, multiple submitters, no conflicts (2 of 4 stars). 2 submissions from 2 submitters: Pathogenic (2). Last evaluated 2025-12-28.

Conditions:
Oculocutaneous albinism type 1. Also called: Albinism 1; ALBINISM I. Identifiers: Orphanet 352731, MedGen C0268494, MONDO:0018135. Disease mechanism: loss of function.

Allele frequency attached by ClinVar (database versions not stated): 1000 Genomes Project 30x 0.00016; 1000 Genomes Project 0.00020.

Submissions (2):

Labcorp Genetics (formerly Invitae), Labcorp
Classification: Pathogenic. Last evaluated: 2025-12-28. Review status: criteria provided, single submitter. Criteria: Invitae Variant Classification Sherloc (09022015). Collection method: clinical testing. Allele origin: germline.
Comment: This sequence change creates a premature translational stop signal (p.Glu281*) in the TYR gene. It is expected to result in an absent or disrupted protein product. Loss-of-function variants in TYR are known to be pathogenic (PMID: 23504663). This variant is present in population databases (rs142629239, gnomAD 0.008%). This variant has not been reported in the literature in individuals affected with TYR-related conditions. ClinVar contains an entry for this variant (Variation ID: 1976135). For these reasons, this variant has been classified as Pathogenic.

Myriad Genetics, Inc.
Classification: Pathogenic for Oculocutaneous albinism type 1. Last evaluated: 2024-04-24. Review status: criteria provided, single submitter. Criteria: Myriad Autosomal Dominant, Autosomal Recessive and X-Linked Classification Criteria (2023). Collection method: clinical testing. Allele origin: unknown.
Comment: NM_000372.4(TYR):c.841G>T(E281*) is expected to be pathogenic in the context of oculocutaneous albinism, TYR-related. This variant is predicted to lead to an abnormal or absent protein product due to the creation of a premature termination codon in TYR, a gene where loss-of-function variants are known to be pathogenic. Please note: this variant was assessed in the context of healthy population screening.

Literature cited by the submitters: PubMed 23504663 (cited by Labcorp Genetics (formerly Invitae), Labcorp).

NM_000372.5(TYR):c.841G>T (p.Glu281Ter)

Gene: TYR (tyrosinase; plus strand). Cytogenetic location: 11q14.3.
Variant type: single nucleotide variant.
Coding change: c.841G>T on transcript NM_000372.5 (MANE Select); coding-DNA position 841, G replaced by T.
Protein change: p.Glu281Ter; replaces glutamic acid 281 with a stop codon.
Molecular consequence: nonsense.
Genome position (GRCh38, 1-based): chr11:89,191,223, G>T. VCF-style: chr11-89191223-G-T. GRCh37 (hg19) VCF-style: chr11-88924391-G-T.
Other names: short protein forms E281*.
Identifiers: ClinVar variation 1976135 (VCV001976135.6), dbSNP rs142629239, ClinGen allele CA6221236.